The following is an entry in ClinVar:

ClinVar aggregate classification (germline): Likely benign. Review status: criteria provided, single submitter (1 of 4 stars). 2 submissions from 2 submitters: Likely benign (1). 1 of the submissions does not count toward it. Last evaluated 2025-11-10.

Conditions:
Joubert syndrome. Also called: CEREBELLOPARENCHYMAL DISORDER IV; JOUBERT-BOLTSHAUSER SYNDROME; Familial aplasia of the vermis. Identifiers: Orphanet 475, MedGen C5979921, MONDO:0018772.
Nephronophthisis. Also called: Juvenile Nephronophthisis. Identifiers: Orphanet 655, MedGen C0687120, MONDO:0019005, HP:0000090.
Meckel-Gruber syndrome. Also called: DYSENCEPHALIA SPLANCHNOCYSTICA; GRUBER SYNDROME; Dysencephalia splachnocystica. Identifiers: Orphanet 564, MedGen C0265215, MONDO:0018921.
CEP290-related disorder. Also called: CEP290-related disorders; CEP290-related condition. Identifiers: MedGen CN239314.

Allele frequency attached by ClinVar (database versions not stated): TOPMed 0.00002; gnomAD exomes 0.00003 and 0.00001; gnomAD 0.00002.
gnomAD v4.1: 32 of 1,316,910 alleles (0.0024%); highest among the groups gnomAD compares: Non-Finnish European, 0.0031%; no homozygotes.

Submissions (2):

Labcorp Genetics (formerly Invitae), Labcorp
Classification: Likely benign for Joubert syndrome; Meckel-Gruber syndrome; Nephronophthisis. Last evaluated: 2025-11-10. Review status: criteria provided, single submitter. Criteria: Invitae Variant Classification Sherloc (09022015). Collection method: clinical testing. Allele origin: germline.

PreventionGenetics, part of Exact Sciences
Classification: Likely benign for CEP290-related condition. Last evaluated: 2021-04-09. Review status: no assertion criteria provided. Collection method: clinical testing. Allele origin: germline. Not counted in ClinVar's aggregate classification.
Comment: This variant is classified as likely benign based on ACMG/AMP sequence variant interpretation guidelines (Richards et al. 2015 PMID: 25741868, with internal and published modifications).

NM_025114.4(CEP290):c.5379T>C (p.Asp1793=)

Gene: CEP290 (centrosomal protein 290; minus strand). Cytogenetic location: 12q21.32.
Variant type: single nucleotide variant.
Coding change: c.5379T>C on transcript NM_025114.4 (MANE Select); coding-DNA position 5379, T replaced by C.
Protein change: p.Asp1793=; no amino-acid change (aspartic acid 1793 retained).
Molecular consequence: synonymous variant.
Genome position (GRCh38, 1-based): chr12:88,077,904, A>G on the plus strand (T>C on the coding strand, the complement: CEP290 is on the minus strand). VCF-style: chr12-88077904-A-G. GRCh37 (hg19) VCF-style: chr12-88471681-A-G.
Other names: c.5379T>C (NM_025114.3).
Identifiers: ClinVar variation 1147298 (VCV001147298.10), dbSNP rs1031513373, ClinGen allele CA241153473.
Genomic context (GRCh38, chr12:88,077,904, plus strand): 5'-GTTTTCTCTGTTTTTACTTGTTTTAAGTGCTTCTTTCAATTTTAAAAGATTTTCATTTAA[A>G]TCTTCAACTTGTGTCTAATAAGAGAAAAAGAAAGGTATTATTCATGACTCTTCAAGAAGT-3'
Protein context (NP_079390.3, residues 1783-1803): HTRELKTQVE[Asp1793=]LNENLLKLKE